The following is an entry in ClinVar:

ClinVar aggregate classification (germline): Pathogenic (1 of 4 stars; one submission).

Conditions:
Familial hemophagocytic lymphohistiocytosis 3 (FHL3). Also called: UNC13D-Related Familial Hemophagocytic Lymphohistiocytosis (UNC13D-fHLH). Identifiers: Orphanet 540, MedGen C1837174, MONDO:0012146, OMIM 608898.

Submission:

Labcorp Genetics (formerly Invitae), Labcorp
Classification: Pathogenic for Familial hemophagocytic lymphohistiocytosis 3. Last evaluated: 2024-01-31. Review status: criteria provided, single submitter. Criteria: Invitae Variant Classification Sherloc (09022015). Collection method: clinical testing. Allele origin: germline.
Comment: This sequence change creates a premature translational stop signal (p.Phe1019Cysfs*9) in the UNC13D gene. It is expected to result in an absent or disrupted protein product. Loss-of-function variants in UNC13D are known to be pathogenic (PMID: 14622600). This variant is not present in population databases (gnomAD no frequency). This variant has not been reported in the literature in individuals affected with UNC13D-related conditions. For these reasons, this variant has been classified as Pathogenic.

Literature cited by the submitters: PubMed 14622600.

NM_199242.3(UNC13D):c.3056_3059del (p.Phe1019fs)

Gene: UNC13D (unc-13 homolog D; minus strand). Cytogenetic location: 17q25.1.
Variant type: Deletion.
Coding change: c.3056_3059del on transcript NM_199242.3 (MANE Select); coding-DNA positions 3056 to 3059, 4 bases deleted (TCCT; older notation c.3056_3059delTCCT).
Protein change: p.Phe1019fs; shifts the reading frame from phenylalanine 1019.
Molecular consequence: frameshift variant.
Genome position (GRCh38, 1-based): chr17:75,828,879-75,828,882, AGGA deleted on the plus strand (TCCT on the coding strand, the reverse complement: UNC13D is on the minus strand); deleting any 4 consecutive bases within chr17:75,828,879-75,828,885 gives the same sequence; the c. name uses the placement nearest the transcript's 3' end. VCF-style (leftmost placement, unchanged base first): chr17-75828878-CAGGA-C. GRCh37 (hg19) VCF-style: chr17-73824959-CAGGA-C.
Other names: short protein forms F1019fs.
Identifiers: ClinVar variation 3637687 (VCV003637687.2).